The following is an entry in ClinVar:

NM_001267550.2(TTN):c.36508G>A (p.Glu12170Lys)

Gene: TTN (titin; minus strand). Cytogenetic location: 2q31.2.
Variant type: single nucleotide variant.
Coding change: c.36508G>A on transcript NM_001267550.2 (MANE Select); coding-DNA position 36508, G replaced by A.
Protein change: p.Glu12170Lys; replaces glutamic acid 12170 with lysine.
Molecular consequence: missense variant. On other transcripts: intron variant (4).
Genome position (GRCh38, 1-based): chr2:178,663,651, C>T on the plus strand (G>A on the coding strand, the complement: TTN is on the minus strand). VCF-style: chr2-178663651-C-T. GRCh37 (hg19) VCF-style: chr2-179528378-C-T.
Other names: c.13283-21334G>A (NM_003319.4); c.13859-21334G>A (NM_133437.4); c.13658-21334G>A (NM_133432.3); c.34265-596G>A (NM_001256850.1); c.31484-596G>A (NM_133378.4); short protein forms E12170K.
Identifiers: ClinVar variation 192215 (VCV000192215.18), dbSNP rs2163008, ClinGen allele CA200103.

ClinVar aggregate classification (germline): Benign. Review status: criteria provided, multiple submitters, no conflicts (2 of 4 stars). 12 submissions from 9 submitters: Benign (10). 2 of the submissions do not count toward it. Last evaluated 2026-02-04.

Conditions:
Dilated cardiomyopathy 1G (CMD1G). Identifiers: Orphanet 154, MedGen C1858763, MONDO:0011400, OMIM 604145.
Autosomal recessive limb-girdle muscular dystrophy type 2J (LGMDR10). Also called: MUSCULAR DYSTROPHY, LIMB-GIRDLE, AUTOSOMAL RECESSIVE 10; Limb-girdle muscular dystrophy, type 2J. Identifiers: Orphanet 140922, MedGen C1837342, MONDO:0012127, OMIM 608807.
Myopathy, myofibrillar, 9, with early respiratory failure (MFM9). Also called: EDSTROM MYOPATHY; MYOPATHY, PROXIMAL, WITH EARLY RESPIRATORY MUSCLE INVOLVEMENT; Myopathy, distal, with early respiratory failure, autosomal dominant; Hereditary myopathy with early respiratory failure. Identifiers: Orphanet 178464, Orphanet 34521, MedGen C1863599, MONDO:0011362, OMIM 603689.
Early-onset myopathy with fatal cardiomyopathy (CMYO5). Also called: CONGENITAL MYOPATHY 5 WITH CARDIOMYOPATHY; Salih Myopathy. Identifiers: Orphanet 289377, MedGen C2673677, MONDO:0012714, OMIM 611705. Disease mechanism: loss of function.
Tibial muscular dystrophy (TMD). Also called: UDD MYOPATHY; Tibial muscular dystrophy, tardive; Udd Distal Myopathy – Tibial Muscular Dystrophy. Identifiers: Orphanet 609, MedGen C1838244, MONDO:0010870, OMIM 600334.

Allele frequency attached by ClinVar (database versions not stated): ESP Exome Variant Server 0.18347; gnomAD 0.20174 and 0.20385; gnomAD exomes 0.08733 and 0.14596; ExAC 0.14759; TOPMed 0.21601; 1000 Genomes Project 0.25919; 1000 Genomes Project 30x 0.26327.
gnomAD v4.1: 159,303 of 1,612,440 alleles (9.9%); highest among the groups gnomAD compares: African/African-American, 47%; 16,128 homozygotes.

Submissions (12):

Labcorp Genetics (formerly Invitae), Labcorp
Classification: Benign for Dilated cardiomyopathy 1G; Autosomal recessive limb-girdle muscular dystrophy type 2J. Last evaluated: 2026-02-04. Review status: criteria provided, single submitter. Criteria: Invitae Variant Classification Sherloc (09022015). Collection method: clinical testing. Allele origin: germline.

Molecular Diagnostic Laboratory for Inherited Cardiovascular Disease, Montreal Heart Institute
Classification: Benign. Last evaluated: 2025-04-09. Review status: criteria provided, single submitter. Criteria: ACMG Guidelines, 2015. Collection method: clinical testing. Allele origin: germline. Affected: no.

Genome-Nilou Lab
Classification: Benign for Autosomal recessive limb-girdle muscular dystrophy type 2J. Last evaluated: 2021-09-10. Review status: criteria provided, single submitter. Criteria: ACMG Guidelines, 2015. Collection method: clinical testing. Allele origin: germline. Affected: no.

Genome-Nilou Lab
Classification: Benign for Myopathy, myofibrillar, 9, with early respiratory failure. Last evaluated: 2021-09-10. Review status: criteria provided, single submitter. Criteria: ACMG Guidelines, 2015. Collection method: clinical testing. Allele origin: germline. Affected: no.

Genome-Nilou Lab
Classification: Benign for Early-onset myopathy with fatal cardiomyopathy. Last evaluated: 2021-09-10. Review status: criteria provided, single submitter. Criteria: ACMG Guidelines, 2015. Collection method: clinical testing. Allele origin: germline. Affected: no.

Genome-Nilou Lab
Classification: Benign for Tibial muscular dystrophy. Last evaluated: 2021-09-10. Review status: criteria provided, single submitter. Criteria: ACMG Guidelines, 2015. Collection method: clinical testing. Allele origin: germline. Affected: no.

Athena Diagnostics
Classification: Benign. Last evaluated: 2018-11-02. Review status: criteria provided, single submitter. Criteria: Athena Diagnostics Criteria. Collection method: clinical testing. Allele origin: germline.

GeneDx
Classification: Benign. Last evaluated: 2018-06-15. Review status: criteria provided, single submitter. Criteria: GeneDx Variant Classification (06012015). Collection method: clinical testing. Allele origin: germline. Affected: yes.
Comment: This variant is considered likely benign or benign based on one or more of the following criteria: it is a conservative change, it occurs at a poorly conserved position in the protein, it is predicted to be benign by multiple in silico algorithms, and/or has population frequency not consistent with disease.

Biesecker Lab/Clinical Genomics Section, National Institutes of Health
Classification: Benign. Last evaluated: 2013-06-24. Review status: criteria provided, single submitter. Criteria: Ng et al. (Circ Cardiovasc Genet. 2013). Collection method: research. Allele origin: unknown. Observed: 106 variant alleles. Study: ClinSeq.
Comment: The study set was not selected for affection status in relation to any cancer. Pathogenicity categories were based on literature curation. See Pubmed ID:23861362 for details.

Medical sequencing

Breakthrough Genomics
Classification: Benign. Review status: criteria provided, single submitter. Criteria: ACMG Guidelines, 2015. Collection method: not provided. Allele origin: germline. Inheritance: Autosomal recessive inheritance. Affected: yes.

Clinical Genetics DNA and cytogenetics Diagnostics Lab, Erasmus MC, Erasmus Medical Center
Classification: Benign. Review status: no assertion criteria provided. Collection method: clinical testing. Allele origin: germline. Affected: yes. Study: VKGL Data-share Consensus. Not counted in ClinVar's aggregate classification.

Clinical Genetics, Academic Medical Center
Classification: Benign. Review status: no assertion criteria provided. Collection method: clinical testing. Allele origin: germline. Affected: yes. Study: VKGL Data-share Consensus. Not counted in ClinVar's aggregate classification.